The following is an entry in ClinVar:

NM_001182.5(ALDH7A1):c.637A>G (p.Asn213Asp)

Gene: ALDH7A1 (aldehyde dehydrogenase 7 family member A1; minus strand). Cytogenetic location: 5q23.2.
Variant type: single nucleotide variant.
Coding change: c.637A>G on transcript NM_001182.5 (MANE Select); coding-DNA position 637, A replaced by G.
Protein change: p.Asn213Asp; replaces asparagine 213 with aspartic acid.
Molecular consequence: missense variant.
Genome position (GRCh38, 1-based): chr5:126,577,092, T>C on the plus strand (A>G on the coding strand, the complement: ALDH7A1 is on the minus strand). VCF-style: chr5-126577092-T-C. GRCh37 (hg19) VCF-style: chr5-125912784-T-C.
Other names: c.553A>G, p.Asn185Asp (NM_001201377.2); c.637A>G, p.Asn213Asp (NM_001202404.2); short protein forms N185D, N213D.
Identifiers: ClinVar variation 1979693 (VCV001979693.1), dbSNP rs1201902715, ClinGen allele CA360730985.
Genomic context (GRCh38, chr5:126,577,092, plus strand): 5'-GCTATTTTTATCACTCACTACTAAATAGGAAAGTGAGCAGGTCTTACCAGAGGCAGACAT[T>C]TCCACAGATCATGGCGATGGCGTTGTTCCAACCATACACTGCCACAGGGAAATTGAATGC-3'
Protein context (NP_001173.2, residues 203-223): WNNAIAMICG[Asn213Asp]VCLWKGAPTT

ClinVar aggregate classification (germline): Uncertain significance (1 of 4 stars; one submission).

Conditions:
Pyridoxine-dependent epilepsy (EPEO4). Also called: PYRIDOXINE DEPENDENCY WITH SEIZURES; Pyridoxine-Dependent Seizures; Pyridoxine-Dependent Epilepsy - ALDH7A1; EPILEPSY, EARLY-ONSET, 4, VITAMIN B6-DEPENDENT. Identifiers: Orphanet 3006, MedGen C1849508, MONDO:0009945, OMIM 266100. Disease mechanism: loss of function.

Allele frequency attached by ClinVar (database versions not stated): gnomAD exomes below 0.00001.
gnomAD v4.1: 2 of 1,614,102 alleles (0.00012%); highest among the groups gnomAD compares: Non-Finnish European, 0.00017%; no homozygotes.

Submission:

Labcorp Genetics (formerly Invitae), Labcorp
Classification: Uncertain significance for Pyridoxine-dependent epilepsy. Last evaluated: 2022-10-17. Review status: criteria provided, single submitter. Criteria: Invitae Variant Classification Sherloc (09022015). Collection method: clinical testing. Allele origin: germline.
Comment: This sequence change replaces asparagine, which is neutral and polar, with aspartic acid, which is acidic and polar, at codon 213 of the ALDH7A1 protein (p.Asn213Asp). This variant is present in population databases (no rsID available, gnomAD 0.0009%). This variant has not been reported in the literature in individuals affected with ALDH7A1-related conditions. Advanced modeling of protein sequence and biophysical properties (such as structural, functional, and spatial information, amino acid conservation, physicochemical variation, residue mobility, and thermodynamic stability) performed at Invitae indicates that this missense variant is expected to disrupt ALDH7A1 protein function. In summary, the available evidence is currently insufficient to determine the role of this variant in disease. Therefore, it has been classified as a Variant of Uncertain Significance.